The following is an entry in ClinVar:

NM_001127222.2(CACNA1A):c.2258C>T (p.Ala753Val)

Gene: CACNA1A (calcium voltage-gated channel subunit alpha1 A; minus strand). Cytogenetic location: 19p13.13.
Variant type: single nucleotide variant.
Coding change: c.2258C>T on transcript NM_001127222.2 (MANE Select); coding-DNA position 2258, C replaced by T.
Protein change: p.Ala753Val; replaces alanine 753 with valine.
Molecular consequence: missense variant.
Genome position (GRCh38, 1-based): chr19:13,300,571, G>A on the plus strand (C>T on the coding strand, the complement: CACNA1A is on the minus strand). VCF-style: chr19-13300571-G-A. GRCh37 (hg19) VCF-style: chr19-13411385-G-A.
Other names: c.2270C>T, p.Ala757Val (NM_000068.4, NM_023035.3); c.2261C>T, p.Ala754Val (NM_001127221.2, NM_001174080.2); short protein forms A754V, A757V, A753V.
Identifiers: ClinVar variation 423741 (VCV000423741.18), dbSNP rs200355966, ClinGen allele CA9240604.
Genomic context (GRCh38, chr19:13,300,571, plus strand): 5'-AGGAGCCAGGGTAGCATCCCAGGGATTAGGGGCACTTACACAGCTATAGACATGTTGGCC[G>A]CGGACAGAGGACTCACTTCTGCCACCTCCTTGGCTTTCTGTAGGGCAAGTTTCTGGTTCG-3'
Protein context (NP_001120694.1, residues 743-763): KEVAEVSPLS[Ala753Val]ANMSIAVKEQ

ClinVar aggregate classification (germline): Uncertain significance. Review status: criteria provided, multiple submitters, no conflicts (2 of 4 stars). 3 submissions from 3 submitters: Uncertain significance (3). Last evaluated 2025-11-06.

Conditions:
Inborn genetic diseases. Identifiers: MedGen C0950123, MeSH D030342.
Episodic ataxia type 2 (EA2). Also called: ATAXIA, EPISODIC, WITH NYSTAGMUS; ATAXIA, FAMILIAL PAROXYSMAL; CEREBELLAR ATAXIA, PAROXYSMAL, ACETAZOLAMIDE-RESPONSIVE; CEREBELLOPATHY, HEREDITARY PAROXYSMAL; EPISODIC ATAXIA, NYSTAGMUS-ASSOCIATED; ACETAZOLAMIDE-RESPONSIVE HEREDITARY PAROXYSMAL CEREBELLAR ATAXIA. Identifiers: Orphanet 97, MedGen C1720416, MONDO:0007163, OMIM 108500.
Developmental and epileptic encephalopathy, 42 (DEE42A). Also called: Epileptic encephalopathy, early infantile, 42; DEVELOPMENTAL AND EPILEPTIC ENCEPHALOPATHY 42A; EPILEPTIC ENCEPHALOPATHY, EARLY INFANTILE, 42A. Identifiers: MedGen C4310716, MONDO:0014917, OMIM 617106.

Allele frequency attached by ClinVar (database versions not stated): gnomAD 0.00001; ExAC 0.00002; TOPMed 0.00003.
gnomAD v4.1: 17 of 1,613,166 alleles (0.0011%); highest among the groups gnomAD compares: East Asian, 0.0089%; no homozygotes.

Submissions (3):

GeneDx
Classification: Uncertain significance. Last evaluated: 2025-11-06. Review status: criteria provided, single submitter. Criteria: GeneDx Variant Classification Process June 2021. Collection method: clinical testing. Allele origin: germline. Affected: yes.
Comment: Reported as p.A754V in an individual with episodic ataxia type 2 and abnormal EEG in published literature; however, segregation information was not provided, and it is unknown whether this individual was tested for variants in other associated genes (PMID: 33544220); In silico analysis supports that this missense variant has a deleterious effect on protein structure/function; This variant is associated with the following publications: (PMID: 33544220, 37422902)

Labcorp Genetics (formerly Invitae), Labcorp
Classification: Uncertain significance for Developmental and epileptic encephalopathy, 42; Episodic ataxia type 2. Last evaluated: 2025-09-25. Review status: criteria provided, single submitter. Criteria: Invitae Variant Classification Sherloc (09022015). Collection method: clinical testing. Allele origin: germline.
Comment: This sequence change replaces alanine, which is neutral and non-polar, with valine, which is neutral and non-polar, at codon 754 of the CACNA1A protein (p.Ala754Val). This variant is present in population databases (rs200355966, gnomAD 0.04%). This variant has not been reported in the literature in individuals affected with CACNA1A-related conditions. ClinVar contains an entry for this variant (Variation ID: 423741). Invitae Evidence Modeling of protein sequence and biophysical properties (such as structural, functional, and spatial information, amino acid conservation, physicochemical variation, residue mobility, and thermodynamic stability) indicates that this missense variant is expected to disrupt CACNA1A protein function with a positive predictive value of 95%. In summary, the available evidence is currently insufficient to determine the role of this variant in disease. Therefore, it has been classified as a Variant of Uncertain Significance.

Ambry Genetics
Classification: Uncertain significance for Inborn genetic diseases. Last evaluated: 2017-09-25. Review status: criteria provided, single submitter. Criteria: Ambry Variant Classification Scheme 2023. Collection method: clinical testing. Allele origin: germline.
Comment: The p.A754V variant (also known as c.2261C>T), located in coding exon 18 of the CACNA1A gene, results from a C to T substitution at nucleotide position 2261. The alanine at codon 754 is replaced by valine, an amino acid with similar properties. This amino acid position is highly conserved in available vertebrate species. In addition, this alteration is predicted to be deleterious by in silico analysis. Since supporting evidence is limited at this time, the clinical significance of this alteration remains unclear.